The following is an entry in ClinVar:

ClinVar aggregate classification (germline): Pathogenic/Likely pathogenic. Review status: criteria provided, multiple submitters, no conflicts (2 of 4 stars). 8 submissions from 8 submitters: Pathogenic (6); Likely pathogenic (2). Last evaluated 2026-02-17.

Conditions:
Ataxia-telangiectasia syndrome (AT). Also called: LOUIS-BAR SYNDROME; Ataxia-telangiectasia, complementation group D; AT, COMPLEMENTATION GROUP C; Cerebello-oculocutaneous telangiectasia; Immunodeficiency with ataxia telangiectasia; Ataxia-telangiectasia, complementation group E. Identifiers: Orphanet 100, MedGen C0004135, MONDO:0008840, OMIM 208900.
Hereditary cancer-predisposing syndrome. Also called: Neoplastic Syndromes, Hereditary; Tumor predisposition; Hereditary Cancer Syndrome; Hereditary neoplastic syndrome. Identifiers: Orphanet 140162, MedGen C0027672, MeSH D009386, MONDO:0015356.
Familial cancer of breast. Also called: Hereditary breast cancer; BREAST CANCER, FAMILIAL; hereditary breast carcinoma. Identifiers: Orphanet 227535, MedGen C0346153, MONDO:0016419, OMIM 114480. Disease mechanism: loss of function.
ATM-related cancer predisposition. Also called: ATM-related cancer susceptibility. Identifiers: MedGen CN377759, MONDO:0700270.

Submissions (8):

Dasa
Classification: Pathogenic for ATM-related cancer predisposition. Last evaluated: 2026-02-17. Review status: criteria provided, single submitter. Criteria: DASA Assertion Criteria. Collection method: clinical testing. Allele origin: germline.
Comment: NM_000051.4(ATM):c.3435_3436delinsA (p.Asp1145Glufs*11) introduces a premature termination codon predicted to result in loss of normal protein function. Loss-of-function is an established mechanism of disease for this gene. The affected residue or protein region has prior evidence supporting clinical relevance. This variant has been reported in individuals with ATM-related cancer predisposition. This variant has been reported in individuals with ATM-related cancer predisposition. The variant is present at low frequency in population datasets. Based on the available data, this variant is classified as pathogenic.

Labcorp Genetics (formerly Invitae), Labcorp
Classification: Pathogenic for Ataxia-telangiectasia syndrome. Last evaluated: 2025-12-02. Review status: criteria provided, single submitter. Criteria: Invitae Variant Classification Sherloc (09022015). Collection method: clinical testing. Allele origin: germline.
Comment: This sequence change creates a premature translational stop signal (p.Asp1145Glufs*11) in the ATM gene. It is expected to result in an absent or disrupted protein product. Loss-of-function variants in ATM are known to be pathogenic (PMID: 23807571, 25614872). Information on the frequency of this variant in the gnomAD database is not available, as this variant may be reported differently in the database. This variant has not been reported in the literature in individuals affected with ATM-related conditions. ClinVar contains an entry for this variant (Variation ID: 265568). For these reasons, this variant has been classified as Pathogenic.

Ambry Genetics
Classification: Pathogenic for Hereditary cancer-predisposing syndrome. Last evaluated: 2025-01-16. Review status: criteria provided, single submitter. Criteria: Ambry Variant Classification Scheme 2023. Collection method: clinical testing. Allele origin: germline.
Comment: The c.3435_3436delTGinsA pathogenic mutation, located in coding exon 23 of the ATM gene, results from the deletion of two nucleotides and insertion of one nucleotide causing a translational frameshift with a predicted alternate stop codon (p.D1145Efs*11). This variant is considered to be rare based on population cohorts in the Genome Aggregation Database (gnomAD). This alteration is expected to result in loss of function by premature protein truncation or nonsense-mediated mRNA decay. As such, this alteration is interpreted as a disease-causing mutation.

Myriad Genetics, Inc.
Classification: Pathogenic for Familial cancer of breast. Last evaluated: 2024-01-22. Review status: criteria provided, single submitter. Criteria: Myriad Autosomal Dominant, Autosomal Recessive and X-Linked Classification Criteria (2023). Collection method: clinical testing. Allele origin: unknown.
Comment: This variant is considered pathogenic. This variant creates a frameshift predicted to result in premature protein truncation.

Department of Pathology and Laboratory Medicine, Sinai Health System
Classification: Pathogenic for ATM-related cancer predisposition. Last evaluated: 2022-11-02. Review status: criteria provided, single submitter. Criteria: ACMG Guidelines, 2015. Collection method: clinical testing. Allele origin: germline. Affected: no.

Fulgent Genetics
Classification: Likely pathogenic for Familial cancer of breast; Ataxia-telangiectasia syndrome. Last evaluated: 2021-10-28. Review status: criteria provided, single submitter. Criteria: ACMG Guidelines, 2015. Collection method: clinical testing. Allele origin: unknown.

Color Diagnostics, LLC DBA Color Health
Classification: Pathogenic for Hereditary cancer-predisposing syndrome. Last evaluated: 2020-10-12. Review status: criteria provided, single submitter. Criteria: ACMG Guidelines, 2015. Collection method: clinical testing. Allele origin: germline.
Comment: This variant results in the net deletion of 1 nucleotide in exon 24 of the ATM gene. This variant causes a frameshift and premature translational stop signal and is expected to result in an absent or non-functional protein product. This variant has not been reported in individuals affected with hereditary cancer in the literature. This variant has not been identified in the general population by the Genome Aggregation Database (gnomAD). Loss of ATM function is a known mechanism of disease. Based on the available evidence, this variant is classified as Pathogenic.

GeneDx
Classification: Likely pathogenic. Last evaluated: 2016-04-15. Review status: criteria provided, single submitter. Criteria: GeneDx Variant Classification (06012015). Collection method: clinical testing. Allele origin: germline. Affected: yes.
Comment: This combined deletion and insertion is denoted ATM c.3435_3436delTGinsA at the cDNA level and p.Asp1145GlufsX11 (D1145EfsX11) at the protein level. The normal sequence, with the bases that are deleted in braces and inserted in brackets, is TGGA[TG][A]AAAT. The variant causes a frameshift which changes an Aspartic Acid to a Glutamic Acid at codon 1145, and creates a premature stop codon at position 11 of the new reading frame. Although this variant has not, to our knowledge, been reported in the literature, it is predicted to cause loss of normal protein function through either protein truncation or nonsense-mediated mRNA decay. Based on currently available information, we consider this variant to be a likely pathogenic variant.

Literature cited by the submitters: PubMed 23807571 (cited by Labcorp Genetics (formerly Invitae), Labcorp); PubMed 25614872 (cited by Labcorp Genetics (formerly Invitae), Labcorp).

NM_000051.4(ATM):c.3435_3436delinsA (p.Asp1145fs)

Gene: ATM (ATM serine/threonine kinase; plus strand). Cytogenetic location: 11q22.3.
Variant type: Indel.
Coding change: c.3435_3436delinsA on transcript NM_000051.4 (MANE Select); coding-DNA positions 3435 to 3436, TG replaced by A.
Protein change: p.Asp1145fs; shifts the reading frame from aspartic acid 1145.
Molecular consequence: frameshift variant.
Genome position (GRCh38, 1-based): chr11:108,281,027-108,281,028, TG replaced by A. VCF-style: chr11-108281027-TG-A. GRCh37 (hg19) VCF-style: chr11-108151754-TG-A.
Other names: c.3435_3436delTGinsA (NM_000051.3); c.3435_3436delinsA, p.Asp1145fs (NM_001351834.2); short protein forms D1145fs.
Identifiers: ClinVar variation 265568 (VCV000265568.14), dbSNP rs886039632, ClinGen allele CA10588495.